The following is an entry in ClinVar:

ClinVar aggregate classification (germline): Uncertain significance (1 of 4 stars; one submission).

Submission:

Labcorp Genetics (formerly Invitae), Labcorp
Classification: Uncertain significance. Last evaluated: 2023-04-12. Review status: criteria provided, single submitter. Criteria: Invitae Variant Classification Sherloc (09022015). Collection method: clinical testing. Allele origin: germline.
Comment: In summary, the available evidence is currently insufficient to determine the role of this variant in disease. Therefore, it has been classified as a Variant of Uncertain Significance. Algorithms developed to predict the effect of missense changes on protein structure and function output the following: SIFT: "Not Available"; PolyPhen-2: "Not Available"; Align-GVGD: "Not Available". The histidine amino acid residue is found in multiple mammalian species, which suggests that this missense change does not adversely affect protein function. This variant has not been reported in the literature in individuals affected with PCLO-related conditions. This variant is not present in population databases (gnomAD no frequency). This sequence change replaces glutamine, which is neutral and polar, with histidine, which is basic and polar, at codon 325 of the PCLO protein (p.Gln325His).

NM_033026.6(PCLO):c.975G>C (p.Gln325His)

Gene: PCLO (piccolo presynaptic cytomatrix protein; minus strand). Cytogenetic location: 7q21.11.
Variant type: single nucleotide variant.
Coding change: c.975G>C on transcript NM_033026.6 (MANE Select); coding-DNA position 975, G replaced by C.
Protein change: p.Gln325His; replaces glutamine 325 with histidine.
Molecular consequence: missense variant.
Genome position (GRCh38, 1-based): chr7:83,155,666, C>G on the plus strand (G>C on the coding strand, the complement: PCLO is on the minus strand). VCF-style: chr7-83155666-C-G. GRCh37 (hg19) VCF-style: chr7-82784982-C-G.
Other names: c.975G>C, p.Gln325His (NM_014510.3); short protein forms Q325H.
Identifiers: ClinVar variation 2798575 (VCV002798575.3), dbSNP rs755074110, ClinGen allele CA367916627.